The following is an entry in ClinVar:

NM_152564.5(VPS13B):c.3666+6T>C

Gene: VPS13B (vacuolar protein sorting 13 homolog B; plus strand). Cytogenetic location: 8q22.2.
Variant type: single nucleotide variant.
Coding change: c.3666+6T>C on transcript NM_152564.5 (MANE Select); 6 bases into the intron after coding-DNA position 3666, T replaced by C.
Molecular consequence: intron variant.
Genome position (GRCh38, 1-based): chr8:99,467,640, T>C. VCF-style: chr8-99467640-T-C. GRCh37 (hg19) VCF-style: chr8-100479868-T-C.
Other names: c.3666+6T>C (NM_017890.5, NM_152564.4).
Identifiers: ClinVar variation 853770 (VCV000853770.9), dbSNP rs374468508, ClinGen allele CA4823297.

ClinVar aggregate classification (germline): Uncertain significance. Review status: criteria provided, single submitter (1 of 4 stars). 3 submissions from 3 submitters: Uncertain significance (1). 2 of the submissions do not count toward it. Last evaluated 2025-03-17.

Conditions:
VPS13B-related disorder. Also called: VPS13B-related condition.
Cohen syndrome (COH1). Also called: PEPPER SYNDROME; Cutis verticis gyrata, retinitis pigmentosa, and sensorineural deafness. Identifiers: Orphanet 193, MedGen C0265223, MONDO:0008999, OMIM 216550.

Allele frequency attached by ClinVar (database versions not stated): ExAC 0.00002; gnomAD 0.00002 and 0.00003; gnomAD exomes 0.00002; TOPMed 0.00002; ESP Exome Variant Server 0.00008.
gnomAD v4.1: 31 of 1,606,818 alleles (0.0019%); highest among the groups gnomAD compares: Admixed American, 0.0067%; no homozygotes.

Submissions (3):

Labcorp Genetics (formerly Invitae), Labcorp
Classification: Uncertain significance for Cohen syndrome. Last evaluated: 2025-03-17. Review status: criteria provided, single submitter. Criteria: Invitae Variant Classification Sherloc (09022015). Collection method: clinical testing. Allele origin: germline.
Comment: This sequence change falls in intron 24 of the VPS13B gene. It does not directly change the encoded amino acid sequence of the VPS13B protein. It affects a nucleotide within the consensus splice site. The frequency data for this variant in the population databases is considered unreliable, as metrics indicate poor data quality at this position in the gnomAD database. This variant has not been reported in the literature in individuals affected with VPS13B-related conditions. ClinVar contains an entry for this variant (Variation ID: 853770). Variants that disrupt the consensus splice site are a relatively common cause of aberrant splicing (PMID: 17576681, 9536098). Algorithms developed to predict the effect of sequence changes on RNA splicing suggest that this variant may disrupt the consensus splice site. In summary, the available evidence is currently insufficient to determine the role of this variant in disease. Therefore, it has been classified as a Variant of Uncertain Significance.

PreventionGenetics, part of Exact Sciences
Classification: Likely benign for VPS13B-related condition. Last evaluated: 2022-12-12. Review status: no assertion criteria provided. Collection method: clinical testing. Allele origin: germline. Not counted in ClinVar's aggregate classification.
Comment: This variant is classified as likely benign based on ACMG/AMP sequence variant interpretation guidelines (Richards et al. 2015 PMID: 25741868, with internal and published modifications).

Natera, Inc.
Classification: Uncertain significance for Cohen syndrome. Last evaluated: 2020-07-22. Review status: no assertion criteria provided. Collection method: clinical testing. Allele origin: germline. Not counted in ClinVar's aggregate classification.

Literature cited by the submitters: PubMed 17576681 (cited by Labcorp Genetics (formerly Invitae), Labcorp); PubMed 9536098 (cited by Labcorp Genetics (formerly Invitae), Labcorp).